The following is an entry in ClinVar:

NM_000059.4(BRCA2):c.3715A>T (p.Lys1239Ter)

Gene: BRCA2 (BRCA2 DNA repair associated; plus strand). Cytogenetic location: 13q13.1.
Variant type: single nucleotide variant.
Coding change: c.3715A>T on transcript NM_000059.4 (MANE Select); coding-DNA position 3715, A replaced by T.
Protein change: p.Lys1239Ter; replaces lysine 1239 with a stop codon.
Molecular consequence: nonsense.
Genome position (GRCh38, 1-based): chr13:32,338,070, A>T. VCF-style: chr13-32338070-A-T. GRCh37 (hg19) VCF-style: chr13-32912207-A-T.
Other names: c.3715A>T, p.Lys1239Ter (NM_001406719.1, NM_001406720.1); short protein forms K1239*.
Identifiers: ClinVar variation 2431302 (VCV002431302.1), dbSNP rs374191973, ClinGen allele CA387778075.

ClinVar aggregate classification (germline): Pathogenic (1 of 4 stars; one submission).

Conditions:
Breast-ovarian cancer, familial, susceptibility to, 2 (BROVCA2). Also called: BRCA2 Hereditary Breast and Ovarian Cancer. Identifiers: Orphanet 145, MedGen C2675520, MONDO:0012933, OMIM 612555. Disease mechanism: loss of function.

Submission:

Myriad Genetics, Inc.
Classification: Pathogenic for Breast-ovarian cancer, familial, susceptibility to, 2. Last evaluated: 2022-12-29. Review status: criteria provided, single submitter. Criteria: Myriad Autosomal Dominant, Autosomal Recessive and X-Linked Classification Criteria (2023). Collection method: clinical testing. Allele origin: unknown.
Comment: This variant is considered pathogenic. This variant creates a termination codon and is predicted to result in premature protein truncation.